The following is an entry in ClinVar:

ClinVar aggregate classification (germline): Uncertain significance (1 of 4 stars; one submission).

Conditions:
Snijders Blok-Campeau syndrome. Also called: INTELLECTUAL DEVELOPMENTAL DISORDER WITH MACROCEPHALY, SPEECH DELAY, AND DYSMORPHIC FACIES. Identifiers: Orphanet 599082, MedGen C4748701, MONDO:0032600, OMIM 618205.

gnomAD v4.1: 6 of 1,612,762 alleles (0.00037%); highest among the groups gnomAD compares: Non-Finnish European, 0.00051%; no homozygotes.

Submission:

Laboratorio de Genetica e Diagnostico Molecular, Hospital Israelita Albert Einstein
Classification: Uncertain significance for Snijders Blok-Campeau syndrome. Last evaluated: 2024-11-18. Review status: criteria provided, single submitter. Criteria: ACMG Guidelines, 2015. Collection method: clinical testing. Allele origin: germline. Affected: yes.
Comment: ACMG classification criteria: PM2 supporting, PP2 supporting, BP4 supporting

NM_001005273.3(CHD3):c.853C>T (p.Arg285Trp)

Genes: CHD3 (chromodomain helicase DNA binding protein 3; plus strand), LOC126862484 (CDK7 strongly-dependent group 2 enhancer GRCh37_chr17:7797066-7798265; plus strand). Cytogenetic location: 17p13.1.
Variant type: single nucleotide variant.
Coding change: c.853C>T on transcript NM_001005273.3 (MANE Select); coding-DNA position 853, C replaced by T.
Protein change: p.Arg285Trp; replaces arginine 285 with tryptophan.
Molecular consequence: missense variant.
Genome position (GRCh38, 1-based): chr17:7,893,864, C>T. VCF-style: chr17-7893864-C-T. GRCh37 (hg19) VCF-style: chr17-7797182-C-T.
Other names: c.1030C>T, p.Arg344Trp (NM_001005271.3); c.853C>T, p.Arg285Trp (NM_005852.4); short protein forms R285W, R344W.
Identifiers: ClinVar variation 3902072 (VCV003902072.1).
Genomic context (GRCh38, chr17:7,893,864, plus strand): 5'-GGTCCAGGCCATAAGAGGCGGAGTAAGAGCCCCCGAGTGCCTGATGGACGCAAGAAGCTT[C>T]GGGGAAAGAAAATGGCACCACTCAAAATAAAACTAGGGCTTCTGGGTGGCAAGAGGAAGA-3'
Protein context (NP_001005273.1, residues 275-295): PRVPDGRKKL[Arg285Trp]GKKMAPLKIK